The following is an entry in ClinVar:

ClinVar aggregate classification (germline): Benign/Likely benign. Review status: criteria provided, multiple submitters, no conflicts (2 of 4 stars). 3 submissions from 3 submitters: Benign (1); Likely benign (1). 1 of the submissions does not count toward it. Last evaluated 2024-05-06.

Conditions:
Familial cancer of breast. Also called: Hereditary breast cancer; hereditary breast carcinoma; BREAST CANCER, FAMILIAL. Identifiers: Orphanet 227535, MedGen C0346153, MONDO:0016419, OMIM 114480. Disease mechanism: loss of function.
Ataxia-telangiectasia syndrome (AT). Also called: Cerebello-oculocutaneous telangiectasia; Immunodeficiency with ataxia telangiectasia; Ataxia-telangiectasia, complementation group E; Ataxia-telangiectasia, complementation group D; AT, COMPLEMENTATION GROUP C; ATAXIA-TELANGIECTASIA, COMPLEMENTATION GROUP A. Identifiers: Orphanet 100, MedGen C0004135, MONDO:0008840, OMIM 208900.
Hereditary cancer-predisposing syndrome. Also called: Hereditary Cancer Syndrome; Neoplastic Syndromes, Hereditary; Hereditary neoplastic syndrome; Tumor predisposition. Identifiers: Orphanet 140162, MedGen C0027672, MeSH D009386, MONDO:0015356.

Allele frequency attached by ClinVar (database versions not stated): gnomAD exomes below 0.00001.
gnomAD v4.1: 1 of 1,614,112 alleles (0.000062%); highest among the groups gnomAD compares: Non-Finnish European, 0.000085%; no homozygotes.

Submissions (3):

Myriad Genetics, Inc.
Classification: Benign for Familial cancer of breast. Last evaluated: 2024-05-06. Review status: criteria provided, single submitter. Criteria: Myriad Autosomal Dominant, Autosomal Recessive and X-Linked Classification Criteria (2023). Collection method: clinical testing. Allele origin: unknown.
Comment: This variant is considered benign. This variant is a silent/synonymous amino acid change and it is not expected to impact splicing.

Ambry Genetics
Classification: Likely benign for Hereditary cancer-predisposing syndrome. Last evaluated: 2018-07-11. Review status: criteria provided, single submitter. Criteria: Ambry Variant Classification Scheme 2023. Collection method: clinical testing. Allele origin: germline.

Natera, Inc.
Classification: Likely benign for Ataxia-telangiectasia. Last evaluated: 2020-11-14. Review status: no assertion criteria provided. Collection method: clinical testing. Allele origin: germline. Not counted in ClinVar's aggregate classification.

NM_000051.4(ATM):c.2031T>C (p.Ser677=)

Gene: ATM (ATM serine/threonine kinase; plus strand). Cytogenetic location: 11q22.3.
Variant type: single nucleotide variant.
Coding change: c.2031T>C on transcript NM_000051.4 (MANE Select); coding-DNA position 2031, T replaced by C.
Protein change: p.Ser677=; no amino-acid change (serine 677 retained).
Molecular consequence: synonymous variant.
Genome position (GRCh38, 1-based): chr11:108,253,946, T>C. VCF-style: chr11-108253946-T-C. GRCh37 (hg19) VCF-style: chr11-108124673-T-C.
Other names: c.2031T>C, p.Ser677= (NM_001351834.2).
Identifiers: ClinVar variation 820560 (VCV000820560.6), dbSNP rs1591534580, ClinGen allele CA476672417.